The following is an entry in ClinVar:

NM_005612.5(REST):c.2032G>T (p.Ala678Ser)

Gene: REST (RE1 silencing transcription factor; plus strand). Cytogenetic location: 4q12.
Variant type: single nucleotide variant.
Coding change: c.2032G>T on transcript NM_005612.5 (MANE Select); coding-DNA position 2032, G replaced by T.
Protein change: p.Ala678Ser; replaces alanine 678 with serine.
Molecular consequence: missense variant.
Genome position (GRCh38, 1-based): chr4:56,930,890, G>T. VCF-style: chr4-56930890-G-T. GRCh37 (hg19) VCF-style: chr4-57797056-G-T.
Other names: c.2032G>T, p.Ala678Ser (NM_001193508.2, NM_001363453.3); short protein forms A678S.
Identifiers: ClinVar variation 1524176 (VCV001524176.9), dbSNP rs367688230, ClinGen allele CA2932391.
Genomic context (GRCh38, chr4:56,930,890, plus strand): 5'-CAGGAGGGGCCTGCTCAGAAGGAGCTGCTGCCTCCCGTGGAGCCTGCTCAGATGGTGGGT[G>T]CCCAAATTGTACTTGCTCACATGGAGCTGCCTCCTCCCATGGAGACTGCTCAGACGGAGG-3'
Protein context (NP_005603.3, residues 668-688): PPVEPAQMVG[Ala678Ser]QIVLAHMELP

ClinVar aggregate classification (germline): Uncertain significance. Review status: criteria provided, multiple submitters, no conflicts (2 of 4 stars). 2 submissions from 2 submitters: Uncertain significance (2). Last evaluated 2025-03-03.

Conditions:
Autosomal dominant nonsyndromic hearing loss 27. Also called: Deafness, autosomal dominant 27. Identifiers: Orphanet 90635, MedGen C3887929, MONDO:0012902, OMIM 612431.
Wilms tumor 6 (WT6). Also called: WILMS TUMOR 6, SUSCEPTIBILITY TO. Identifiers: Orphanet 654, MedGen C3891301, MONDO:0014779, OMIM 616806.
Fibromatosis, gingival, 5. Also called: FIBROMATOSIS, GINGIVAL, HEREDITARY, 5. Identifiers: MedGen C4539942, MONDO:0033493, OMIM 617626.

gnomAD v4.1: 14 of 1,613,776 alleles (0.00087%); highest among the groups gnomAD compares: Admixed American, 0.017%; no homozygotes.

Submissions (2):

Labcorp Genetics (formerly Invitae), Labcorp
Classification: Uncertain significance. Last evaluated: 2025-03-03. Review status: criteria provided, single submitter. Criteria: Invitae Variant Classification Sherloc (09022015). Collection method: clinical testing. Allele origin: germline.
Comment: This sequence change replaces alanine, which is neutral and non-polar, with serine, which is neutral and polar, at codon 678 of the REST protein (p.Ala678Ser). This variant is present in population databases (rs367688230, gnomAD 0.02%). This variant has not been reported in the literature in individuals affected with REST-related conditions. ClinVar contains an entry for this variant (Variation ID: 1524176). An algorithm developed to predict the effect of missense changes on protein structure and function (PolyPhen-2) suggests that this variant is likely to be tolerated. In summary, the available evidence is currently insufficient to determine the role of this variant in disease. Therefore, it has been classified as a Variant of Uncertain Significance.

Fulgent Genetics
Classification: Uncertain significance for Autosomal dominant nonsyndromic hearing loss 27; Wilms tumor 6; Fibromatosis, gingival, 5. Last evaluated: 2024-05-23. Review status: criteria provided, single submitter. Criteria: ACMG Guidelines, 2015. Collection method: clinical testing. Allele origin: germline.